The following is an entry in ClinVar:

NM_001267550.2(TTN):c.19150C>A (p.Pro6384Thr)

Gene: TTN (titin; minus strand). Cytogenetic location: 2q31.2.
Variant type: single nucleotide variant.
Coding change: c.19150C>A on transcript NM_001267550.2 (MANE Select); coding-DNA position 19150, C replaced by A.
Protein change: p.Pro6384Thr; replaces proline 6384 with threonine.
Molecular consequence: missense variant. On other transcripts: intron variant (3).
Genome position (GRCh38, 1-based): chr2:178,728,776, G>T on the plus strand (C>A on the coding strand, the complement: TTN is on the minus strand). VCF-style: chr2-178728776-G-T. GRCh37 (hg19) VCF-style: chr2-179593503-G-T.
Other names: p.P6067T:CCA>ACA; p.Pro6067Thr; c.18199C>A, p.Pro6067Thr (NM_001256850.1); c.15418C>A, p.Pro5140Thr (NM_133378.4); c.13282+9306C>A (NM_003319.4); c.13858+9306C>A (NM_133437.4); c.13657+9306C>A (NM_133432.3); short protein forms P6384T, P5140T, P6067T.
Identifiers: ClinVar variation 46653 (VCV000046653.82), dbSNP rs72648953, ClinGen allele CA138872.

ClinVar aggregate classification (germline): Conflicting classifications of pathogenicity. Review status: criteria provided, conflicting classifications (1 of 4 stars). 25 submissions from 21 submitters: Uncertain significance (3); Benign (8); Likely benign (8). 6 of the submissions do not count toward it. Last evaluated 2026-06-01.

Conditions:
Dilated cardiomyopathy 1G (CMD1G). Identifiers: Orphanet 154, MedGen C1858763, MONDO:0011400, OMIM 604145.
Autosomal recessive limb-girdle muscular dystrophy type 2J (LGMDR10). Also called: MUSCULAR DYSTROPHY, LIMB-GIRDLE, AUTOSOMAL RECESSIVE 10; Limb-girdle muscular dystrophy, type 2J. Identifiers: Orphanet 140922, MedGen C1837342, MONDO:0012127, OMIM 608807.
TTN-related disorder. Also called: TTN-related disorders; TTN-related condition; TTN-related disease.
Cardiomyopathy (CMYO). Also called: Cardiomyopathies. Identifiers: Orphanet 167848, MedGen C0878544, MONDO:0004994, HP:0001638. Inheritance: Various modes of inheritance.
Early-onset myopathy with fatal cardiomyopathy (CMYO5). Also called: CONGENITAL MYOPATHY 5 WITH CARDIOMYOPATHY; Salih Myopathy. Identifiers: Orphanet 289377, MedGen C2673677, MONDO:0012714, OMIM 611705. Disease mechanism: loss of function.
Myopathy, myofibrillar, 9, with early respiratory failure (MFM9). Also called: Myopathy, distal, with early respiratory failure, autosomal dominant; Hereditary myopathy with early respiratory failure; MYOPATHY, PROXIMAL, WITH EARLY RESPIRATORY MUSCLE INVOLVEMENT; EDSTROM MYOPATHY. Identifiers: Orphanet 178464, Orphanet 34521, MedGen C1863599, MONDO:0011362, OMIM 603689.
Tibial muscular dystrophy (TMD). Also called: Udd Distal Myopathy – Tibial Muscular Dystrophy; Tibial muscular dystrophy, tardive; UDD MYOPATHY. Identifiers: Orphanet 609, MedGen C1838244, MONDO:0010870, OMIM 600334.

Allele frequency attached by ClinVar (database versions not stated): 1000 Genomes Project 30x 0.00156; gnomAD 0.00227 and 0.00233; ExAC 0.00306; ESP Exome Variant Server 0.00159; gnomAD exomes 0.00304; 1000 Genomes Project 0.00160; TOPMed 0.00173.
gnomAD v4.1: 4,628 of 1,594,088 alleles (0.29%); highest among the groups gnomAD compares: East Asian, 0.4%; 13 homozygotes.

Submissions (25):

CeGaT Center for Human Genetics Tuebingen
Classification: Likely benign. Last evaluated: 2026-06-01. Review status: criteria provided, single submitter. Criteria: CeGaT Center For Human Genetics Tuebingen Variant Classification Criteria Version 2. Collection method: clinical testing. Allele origin: germline. Affected: yes. Observed: 23 variant alleles.
Comment: TTN: BS2

Labcorp Genetics (formerly Invitae), Labcorp
Classification: Benign for Dilated cardiomyopathy 1G; Autosomal recessive limb-girdle muscular dystrophy type 2J. Last evaluated: 2026-02-03. Review status: criteria provided, single submitter. Criteria: Invitae Variant Classification Sherloc (09022015). Collection method: clinical testing. Allele origin: germline.

Mayo Clinic Laboratories, Mayo Clinic
Classification: Likely benign. Last evaluated: 2025-08-29. Review status: criteria provided, single submitter. Criteria: ACMG Guidelines, 2015. Collection method: clinical testing. Allele origin: germline. Observed: 5 variant alleles.
Comment: BS1

Molecular Diagnostic Laboratory for Inherited Cardiovascular Disease, Montreal Heart Institute
Classification: Likely benign. Last evaluated: 2025-04-09. Review status: criteria provided, single submitter. Criteria: ACMG Guidelines, 2015. Collection method: clinical testing. Allele origin: germline. Affected: no.

Blueprint Genetics
Classification: Likely benign. Last evaluated: 2024-11-26. Review status: criteria provided, single submitter. Criteria: ACMG Guidelines, 2015. Collection method: clinical testing. Allele origin: germline.

Athena Diagnostics
Classification: Benign. Last evaluated: 2023-11-02. Review status: criteria provided, single submitter. Criteria: Athena Diagnostics Criteria. Collection method: clinical testing. Allele origin: unknown.

ARUP Laboratories, Molecular Genetics and Genomics, ARUP Laboratories
Classification: Benign. Last evaluated: 2023-09-25. Review status: criteria provided, single submitter. Criteria: ARUP Molecular Germline Variant Investigation Process 2024. Collection method: clinical testing. Allele origin: germline.

Women's Health and Genetics/Laboratory Corporation of America, LabCorp
Classification: Benign. Last evaluated: 2021-03-15. Review status: criteria provided, single submitter. Criteria: LabCorp Variant Classification Summary - May 2015. Collection method: clinical testing. Allele origin: germline.
Comment: Variant summary: TTN c.15418C>A (p.Pro5140Thr) results in a non-conservative amino acid change located in the I-band region of the encoded protein sequence. Four of five in-silico tools predict a damaging effect of the variant on protein function. The variant allele was found at a frequency of 0.003 in 242524 control chromosomes in the gnomAD database, including 2 homozygotes. The observed variant frequency is approximately 7.8-fold the estimated maximal expected allele frequency for a pathogenic variant in TTN causing Dilated Cardiomyopathy phenotype (0.00039), strongly suggesting that the variant is benign. c.15418C>A has been reported in the literature in individuals affected with Dilated Cardiomyopathy (e.g. Lopes_2013, Pugh_2014, Forleo_2017). These reports do not provide unequivocal conclusions about association of the variant with Dilated Cardiomyopathy. In at least one of these cases, co-occurrence with another pathogenic variant was reported (LMNA c.673C>T, p.Arg225X; Pugh_2014), providing supporting evidence for a benign role. To our knowledge, no experimental evidence demonstrating an impact on protein function has been reported. 11 other clinical diagnostic laboratories have submitted clinical-significance assessments for this variant to ClinVar after 2014 without evidence for independent evaluation, citing the variant as benign/likely benign (n=9) and uncertain significance (n=2). Based on the evidence outlined above, the variant was classified as benign.

GeneDx
Classification: Likely benign. Last evaluated: 2020-08-21. Review status: criteria provided, single submitter. Criteria: GeneDx Variant Classification Process June 2021. Collection method: clinical testing. Allele origin: germline. Affected: yes.
Comment: This variant is associated with the following publications: (PMID: 23861362, 24503780, 23396983, 28750076)

Laboratory for Molecular Medicine, Mass General Brigham Personalized Medicine
Classification: Benign. Last evaluated: 2018-05-25. Review status: criteria provided, single submitter. Criteria: LMM Criteria. Collection method: clinical testing. Allele origin: germline. Observed: 11 variant alleles.
Comment: The p.Pro5140Thr variant in TTN is classified as benign because it has been iden tified in 1% (263/25312) of Finnish chromosomes by the Genome Aggregation Databa se (gnomAD; dbSNP rs72648953). ACMG/AMP Criter ia applied: BA1

Illumina Laboratory Services, Illumina
Classification: Uncertain significance for Early-onset myopathy with fatal cardiomyopathy. Last evaluated: 2018-01-13. Review status: criteria provided, single submitter. Criteria: ICSL Variant Classification Criteria 13 December 2019. Collection method: clinical testing. Allele origin: germline.

Illumina Laboratory Services, Illumina
Classification: Benign for Tibial muscular dystrophy. Last evaluated: 2018-01-13. Review status: criteria provided, single submitter. Criteria: ICSL Variant Classification Criteria 13 December 2019. Collection method: clinical testing. Allele origin: germline.
Comment: This variant was observed in the ICSL laboratory as part of a predisposition screen in an ostensibly healthy population. It had not been previously curated by ICSL or reported in the Human Gene Mutation Database (HGMD: prior to June 1st, 2018), and was therefore a candidate for classification through an automated scoring system. Utilizing variant allele frequency, disease prevalence and penetrance estimates, and inheritance mode, an automated score was calculated to assess if this variant is too frequent to cause the disease. Based on the score and internal cut-off values, a variant classified as benign is not then subjected to further curation. The score for this variant resulted in a classification of benign for this disease.

Illumina Laboratory Services, Illumina
Classification: Benign for Myopathy, myofibrillar, 9, with early respiratory failure. Last evaluated: 2018-01-13. Review status: criteria provided, single submitter. Criteria: ICSL Variant Classification Criteria 13 December 2019. Collection method: clinical testing. Allele origin: germline.
Comment: the same text as in the submission from Illumina Laboratory Services, Illumina above.

Illumina Laboratory Services, Illumina
Classification: Uncertain significance for Dilated cardiomyopathy 1G. Last evaluated: 2018-01-13. Review status: criteria provided, single submitter. Criteria: ICSL Variant Classification Criteria 13 December 2019. Collection method: clinical testing. Allele origin: germline.

Illumina Laboratory Services, Illumina
Classification: Uncertain significance for Autosomal recessive limb-girdle muscular dystrophy type 2J. Last evaluated: 2018-01-13. Review status: criteria provided, single submitter. Criteria: ICSL Variant Classification Criteria 13 December 2019. Collection method: clinical testing. Allele origin: germline.

CHEO Genetics Diagnostic Laboratory, Children's Hospital of Eastern Ontario
Classification: Benign for Cardiomyopathy. Last evaluated: 2017-07-24. Review status: criteria provided, single submitter. Criteria: ACMG Guidelines, 2015. Collection method: clinical testing. Allele origin: germline. Study: Canadian Open Genetics Repository.

Center for Pediatric Genomic Medicine, Children's Mercy Hospital and Clinics
Classification: Likely benign. Last evaluated: 2017-05-30. Review status: criteria provided, single submitter. Criteria: ACMG Guidelines, 2015. Collection method: clinical testing. Allele origin: germline.

Eurofins Ntd Llc (ga)
Classification: Likely benign. Last evaluated: 2015-09-14. Review status: criteria provided, single submitter. Criteria: EGL Classification Definitions 2015. Collection method: clinical testing. Allele origin: germline. Observed: 1 variant allele, 1 heterozygote.

Biesecker Lab/Clinical Genomics Section, National Institutes of Health
Classification: Likely benign. Last evaluated: 2013-06-24. Review status: criteria provided, single submitter. Criteria: Ng et al. (Circ Cardiovasc Genet. 2013). Collection method: research. Allele origin: unknown. Observed: 2 variant alleles. Study: ClinSeq.
Comment: The study set was not selected for affection status in relation to any cancer. Pathogenicity categories were based on literature curation. See Pubmed ID:23861362 for details.

Medical sequencing

PreventionGenetics, part of Exact Sciences
Classification: Benign for TTN-related condition. Last evaluated: 2021-09-13. Review status: no assertion criteria provided. Collection method: clinical testing. Allele origin: germline. Not counted in ClinVar's aggregate classification.
Comment: This variant is classified as benign based on ACMG/AMP sequence variant interpretation guidelines (Richards et al. 2015 PMID: 25741868, with internal and published modifications).

Clinical Genetics DNA and cytogenetics Diagnostics Lab, Erasmus MC, Erasmus Medical Center
Classification: Benign. Review status: no assertion criteria provided. Collection method: clinical testing. Allele origin: germline. Affected: yes. Study: VKGL Data-share Consensus. Not counted in ClinVar's aggregate classification.

Clinical Genetics, Academic Medical Center
Classification: Benign. Review status: no assertion criteria provided. Collection method: clinical testing. Allele origin: germline. Affected: yes. Study: VKGL Data-share Consensus. Not counted in ClinVar's aggregate classification.

Diagnostic Laboratory, Department of Genetics, University Medical Center Groningen
Classification: Likely benign. Review status: no assertion criteria provided. Collection method: clinical testing. Allele origin: germline. Affected: yes. Study: VKGL Data-share Consensus. Not counted in ClinVar's aggregate classification.

Genome Diagnostics Laboratory, University Medical Center Utrecht
Classification: Benign. Review status: no assertion criteria provided. Collection method: clinical testing. Allele origin: germline. Affected: yes. Study: VKGL Data-share Consensus. Not counted in ClinVar's aggregate classification.

Joint Genome Diagnostic Labs from Nijmegen and Maastricht, Radboudumc and MUMC+
Classification: Benign. Review status: no assertion criteria provided. Collection method: clinical testing. Allele origin: germline. Affected: yes. Study: VKGL Data-share Consensus. Not counted in ClinVar's aggregate classification.

Literature cited by the submitters: PubMed 23396983 (cited by Athena Diagnostics and Women's Health and Genetics/Laboratory Corporation of America, LabCorp); PubMed 24503780 (cited by Athena Diagnostics and Women's Health and Genetics/Laboratory Corporation of America, LabCorp); PubMed 28750076 (cited by Athena Diagnostics and Women's Health and Genetics/Laboratory Corporation of America, LabCorp); PubMed 35207729 (cited by Athena Diagnostics); PubMed 30467950 (cited by Athena Diagnostics); PubMed 30993396 (cited by Athena Diagnostics); PubMed 31088516 (cited by Athena Diagnostics); PubMed 26516846 (cited by Athena Diagnostics); PubMed 31903434 (cited by Athena Diagnostics); PubMed 23861362 (cited by Athena Diagnostics); PubMed 28252636 (cited by Athena Diagnostics).